The following is an entry in ClinVar:

ClinVar aggregate classification (germline): Likely benign (1 of 4 stars; one submission).

Conditions:
Familial cancer of breast. Also called: BREAST CANCER, FAMILIAL; Hereditary breast cancer; hereditary breast carcinoma. Identifiers: Orphanet 227535, MedGen C0346153, MONDO:0016419, OMIM 114480. Disease mechanism: loss of function.

Allele frequency attached by ClinVar (database versions not stated): TOPMed below 0.00001.

Submission:

Myriad Genetics, Inc.
Classification: Likely benign for Familial cancer of breast. Last evaluated: 2024-05-24. Review status: criteria provided, single submitter. Criteria: Myriad Autosomal Dominant, Autosomal Recessive and X-Linked Classification Criteria (2023). Collection method: clinical testing. Allele origin: unknown.
Comment: This variant is considered likely benign. This variant is intronic and is not expected to impact mRNA splicing.

NM_000051.4(ATM):c.5675-7T>C

Gene: ATM (ATM serine/threonine kinase; plus strand). Cytogenetic location: 11q22.3.
Variant type: single nucleotide variant.
Coding change: c.5675-7T>C on transcript NM_000051.4 (MANE Select); 7 bases into the intron before coding-DNA position 5675, T replaced by C.
Molecular consequence: intron variant.
Genome position (GRCh38, 1-based): chr11:108,307,890, T>C. VCF-style: chr11-108307890-T-C. GRCh37 (hg19) VCF-style: chr11-108178617-T-C.
Other names: c.5675-7T>C (NM_001351834.2).
Identifiers: ClinVar variation 3253771 (VCV003253771.1), dbSNP rs1265788672.